The following is an entry in ClinVar:

NM_004655.4(AXIN2):c.961G>A (p.Gly321Arg)

Gene: AXIN2 (axin 2; minus strand). Cytogenetic location: 17q24.1.
Variant type: single nucleotide variant.
Coding change: c.961G>A on transcript NM_004655.4 (MANE Select); coding-DNA position 961, G replaced by A.
Protein change: p.Gly321Arg; replaces glycine 321 with arginine.
Molecular consequence: missense variant.
Genome position (GRCh38, 1-based): chr17:65,541,553, C>T on the plus strand (G>A on the coding strand, the complement: AXIN2 is on the minus strand). VCF-style: chr17-65541553-C-T. GRCh37 (hg19) VCF-style: chr17-63537671-C-T.
Other names: c.961G>A, p.Gly321Arg (NM_001363813.1); short protein forms G321R.
Identifiers: ClinVar variation 5032590 (VCV005032590.1).

ClinVar aggregate classification (germline): Uncertain significance (1 of 4 stars; one submission).

Conditions:
Hereditary cancer-predisposing syndrome. Also called: Neoplastic Syndromes, Hereditary; Tumor predisposition; Hereditary neoplastic syndrome; Hereditary Cancer Syndrome. Identifiers: Orphanet 140162, MedGen C0027672, MeSH D009386, MONDO:0015356.

Submission:

Ambry Genetics
Classification: Uncertain significance for Hereditary cancer-predisposing syndrome. Last evaluated: 2026-07-07. Review status: criteria provided, single submitter. Criteria: Ambry Variant Classification Scheme 2023. Collection method: clinical testing. Allele origin: germline.
Comment: The p.G321R variant (also known as c.961G>A), located in coding exon 3 of the AXIN2 gene, results from a G to A substitution at nucleotide position 961. The glycine at codon 321 is replaced by arginine, an amino acid with dissimilar properties. This amino acid position is conserved. In addition, this alteration is predicted to be deleterious by in silico analysis. Based on the available evidence, the clinical significance of this variant remains unclear.